The following is an entry in ClinVar:

NM_001134407.3(GRIN2A):c.2692C>T (p.Leu898Phe)

Gene: GRIN2A (glutamate ionotropic receptor NMDA type subunit 2A; minus strand). Cytogenetic location: 16p13.2.
Variant type: single nucleotide variant.
Coding change: c.2692C>T on transcript NM_001134407.3 (MANE Select); coding-DNA position 2692, C replaced by T.
Protein change: p.Leu898Phe; replaces leucine 898 with phenylalanine.
Molecular consequence: missense variant.
Genome position (GRCh38, 1-based): chr16:9,764,852, G>A on the plus strand (C>T on the coding strand, the complement: GRIN2A is on the minus strand). VCF-style: chr16-9764852-G-A. GRCh37 (hg19) VCF-style: chr16-9858709-G-A.
Other names: c.2692C>T, p.Leu898Phe (NM_000833.5, NM_001134408.2); short protein forms L898F.
Identifiers: ClinVar variation 3343853 (VCV003343853.1).

ClinVar aggregate classification (germline): Uncertain significance (1 of 4 stars; one submission).

gnomAD v4.1: 2 of 1,614,190 alleles (0.00012%); highest among the groups gnomAD compares: Non-Finnish European, 0.00017%; no homozygotes.

Submission:

GeneDx
Classification: Uncertain significance. Last evaluated: 2023-09-08. Review status: criteria provided, single submitter. Criteria: GeneDx Variant Classification Process June 2021. Collection method: clinical testing. Allele origin: germline. Affected: yes.
Comment: Reported in a patient with developmental and epileptic encephalopathy in the published literature (Minardi et al., 2020); however, detailed clinical information was not provided; In silico analysis supports that this missense variant has a deleterious effect on protein structure/function; Not observed at significant frequency in large population cohorts (gnomAD); This variant is associated with the following publications: (PMID: 32725632)